The following is an entry in ClinVar:

NM_001378120.1(MBD5):c.4048A>G (p.Ile1350Val)

Gene: MBD5 (methyl-CpG binding domain protein 5; plus strand). Cytogenetic location: 2q23.1.
Variant type: single nucleotide variant.
Coding change: c.4048A>G on transcript NM_001378120.1 (MANE Select); coding-DNA position 4048, A replaced by G.
Protein change: p.Ile1350Val; replaces isoleucine 1350 with valine.
Molecular consequence: missense variant.
Genome position (GRCh38, 1-based): chr2:148,489,680, A>G. VCF-style: chr2-148489680-A-G. GRCh37 (hg19) VCF-style: chr2-149247249-A-G.
Other names: c.3349A>G, p.Ile1117Val (NM_018328.5); short protein forms I1350V, I1117V.
Identifiers: ClinVar variation 2739428 (VCV002739428.3), dbSNP rs2470022176, ClinGen allele CA348727916.
Genomic context (GRCh38, chr2:148,489,680, plus strand): 5'-AGCAAAGGAATGCAGGTTGTCATCACCACTGCAGTCAACAGTACAACTCAGATCAGCCCC[A>G]TTCCAGCTCTGAGTGCCATGAGTGCCTTCACTGCCTCAATTGGTGACCCATTAAATCTCT-3'
Protein context (NP_001365049.1, residues 1340-1360): AVNSTTQISP[Ile1350Val]PALSAMSAFT

ClinVar aggregate classification (germline): Uncertain significance (1 of 4 stars; one submission).

Conditions:
Intellectual developmental disorder, autosomal dominant 1. Also called: Intellectual disability, autosomal dominant 1; MBD5 Haploinsufficiency. Identifiers: Orphanet 228402, MedGen C1969562, MONDO:0007974, OMIM 156200.

Submission:

Labcorp Genetics (formerly Invitae), Labcorp
Classification: Uncertain significance for Intellectual developmental disorder, autosomal dominant 1. Last evaluated: 2023-07-09. Review status: criteria provided, single submitter. Criteria: Invitae Variant Classification Sherloc (09022015). Collection method: clinical testing. Allele origin: germline.
Comment: This variant has not been reported in the literature in individuals affected with MBD5-related conditions. This variant is not present in population databases (gnomAD no frequency). This sequence change replaces isoleucine, which is neutral and non-polar, with valine, which is neutral and non-polar, at codon 1117 of the MBD5 protein (p.Ile1117Val). Advanced modeling of protein sequence and biophysical properties (such as structural, functional, and spatial information, amino acid conservation, physicochemical variation, residue mobility, and thermodynamic stability) performed at Invitae indicates that this missense variant is not expected to disrupt MBD5 protein function. In summary, the available evidence is currently insufficient to determine the role of this variant in disease. Therefore, it has been classified as a Variant of Uncertain Significance.